The following is an entry in ClinVar:

NM_014244.5(ADAMTS2):c.2356A>G (p.Lys786Glu)

Gene: ADAMTS2 (ADAM metallopeptidase with thrombospondin type 1 motif 2; minus strand). Cytogenetic location: 5q35.3.
Variant type: single nucleotide variant.
Coding change: c.2356A>G on transcript NM_014244.5 (MANE Select); coding-DNA position 2356, A replaced by G.
Protein change: p.Lys786Glu; replaces lysine 786 with glutamic acid.
Molecular consequence: missense variant.
Genome position (GRCh38, 1-based): chr5:179,130,033, T>C on the plus strand (A>G on the coding strand, the complement: ADAMTS2 is on the minus strand). VCF-style: chr5-179130033-T-C. GRCh37 (hg19) VCF-style: chr5-178557034-T-C.
Other names: short protein forms K786E.
Identifiers: ClinVar variation 903781 (VCV000903781.6), dbSNP rs979142284, ClinGen allele CA133033138.

ClinVar aggregate classification (germline): Uncertain significance. Review status: criteria provided, multiple submitters, no conflicts (2 of 4 stars). 2 submissions from 2 submitters: Uncertain significance (2). Last evaluated 2024-09-18.

Conditions:
Ehlers-Danlos syndrome, dermatosparaxis type. Also called: Ehlers-Danlos syndrome, type VII, autosomal recessive; EDS VIIC; Dermatosparaxis. Identifiers: Orphanet 1901, MedGen C2700425, MONDO:0009161, OMIM 225410.

Allele frequency attached by ClinVar (database versions not stated): gnomAD exomes below 0.00001; TOPMed below 0.00001.
gnomAD v4.1: 1 of 1,614,176 alleles (0.000062%); highest among the groups gnomAD compares: East Asian, 0.0022%; no homozygotes.

Submissions (2):

Labcorp Genetics (formerly Invitae), Labcorp
Classification: Uncertain significance for Ehlers-Danlos syndrome, dermatosparaxis type. Last evaluated: 2024-09-18. Review status: criteria provided, single submitter. Criteria: Invitae Variant Classification Sherloc (09022015). Collection method: clinical testing. Allele origin: germline.
Comment: This sequence change replaces lysine, which is basic and polar, with glutamic acid, which is acidic and polar, at codon 786 of the ADAMTS2 protein (p.Lys786Glu). This variant is not present in population databases (gnomAD no frequency). This variant has not been reported in the literature in individuals affected with ADAMTS2-related conditions. ClinVar contains an entry for this variant (Variation ID: 903781). An algorithm developed to predict the effect of missense changes on protein structure and function (PolyPhen-2) suggests that this variant is likely to be tolerated. In summary, the available evidence is currently insufficient to determine the role of this variant in disease. Therefore, it has been classified as a Variant of Uncertain Significance.

Illumina Laboratory Services, Illumina
Classification: Uncertain significance for Ehlers-Danlos syndrome, dermatosparaxis type. Last evaluated: 2018-01-13. Review status: criteria provided, single submitter. Criteria: ICSL Variant Classification Criteria 13 December 2019. Collection method: clinical testing. Allele origin: germline.